The following is an entry in ClinVar:

NM_001365999.1(SZT2):c.8201G>A (p.Arg2734Gln)

Gene: SZT2 (SZT2 subunit of KICSTOR complex; plus strand). Cytogenetic location: 1p34.2.
Variant type: single nucleotide variant.
Coding change: c.8201G>A on transcript NM_001365999.1 (MANE Select); coding-DNA position 8201, G replaced by A.
Protein change: p.Arg2734Gln; replaces arginine 2734 with glutamine.
Molecular consequence: missense variant.
Genome position (GRCh38, 1-based): chr1:43,442,868, G>A. VCF-style: chr1-43442868-G-A. GRCh37 (hg19) VCF-style: chr1-43908539-G-A.
Other names: p.Arg2677Gln; c.8030G>A, p.Arg2677Gln (NM_015284.4); short protein forms R2677Q, R2734Q.
Identifiers: ClinVar variation 241039 (VCV000241039.11), dbSNP rs370164213, ClinGen allele CA810480.
Genomic context (GRCh38, chr1:43,442,868, plus strand): 5'-CCATCTCTCAGGAGCCAAACCCATTCCTGCTGCCGACCATGGAAGTGGAGACCCTCATCC[G>A]GAGTGCAAGTCCCCCGCTGAGCCGTGAGCAGGGCCGACTGAGTGGGTCCTCTCGTGGTGG-3'
Protein context (NP_001352928.1, residues 2724-2744): LPTMEVETLI[Arg2734Gln]SASPPLSREQ

ClinVar aggregate classification (germline): Uncertain significance. Review status: criteria provided, multiple submitters, no conflicts (2 of 4 stars). 4 submissions from 4 submitters: Uncertain significance (4). Last evaluated 2023-04-11.

Conditions:
Developmental and epileptic encephalopathy, 18 (DEE18). Also called: Early infantile epileptic encephalopathy 18. Identifiers: Orphanet 369894, MedGen C3809624, MONDO:0014201, OMIM 615476.

Allele frequency attached by ClinVar (database versions not stated): gnomAD exomes 0.00002; ExAC 0.00003; gnomAD 0.00003 and 0.00004; TOPMed 0.00003; ESP Exome Variant Server 0.00008.
gnomAD v4.1: 34 of 1,613,036 alleles (0.0021%); highest among the groups gnomAD compares: Non-Finnish European, 0.0018%; no homozygotes.

Submissions (4):

Genome-Nilou Lab
Classification: Uncertain significance for Developmental and epileptic encephalopathy, 18. Last evaluated: 2023-04-11. Review status: criteria provided, single submitter. Criteria: ACMG Guidelines, 2015. Collection method: clinical testing. Allele origin: germline. Affected: no.

Labcorp Genetics (formerly Invitae), Labcorp
Classification: Uncertain significance. Last evaluated: 2022-07-26. Review status: criteria provided, single submitter. Criteria: Invitae Variant Classification Sherloc (09022015). Collection method: clinical testing. Allele origin: germline.
Comment: This sequence change replaces arginine, which is basic and polar, with glutamine, which is neutral and polar, at codon 2677 of the SZT2 protein (p.Arg2677Gln). This variant is present in population databases (rs370164213, gnomAD 0.02%). This variant has not been reported in the literature in individuals affected with SZT2-related conditions. ClinVar contains an entry for this variant (Variation ID: 241039). Algorithms developed to predict the effect of missense changes on protein structure and function (SIFT, PolyPhen-2, Align-GVGD) all suggest that this variant is likely to be disruptive. In summary, the available evidence is currently insufficient to determine the role of this variant in disease. Therefore, it has been classified as a Variant of Uncertain Significance.

GeneDx
Classification: Uncertain significance. Last evaluated: 2022-02-28. Review status: criteria provided, single submitter. Criteria: GeneDx Variant Classification Process June 2021. Collection method: clinical testing. Allele origin: germline. Affected: yes.
Comment: In silico analysis supports that this missense variant does not alter protein structure/function; Has not been previously published as pathogenic or benign to our knowledge

Mayo Clinic Laboratories, Mayo Clinic
Classification: Uncertain significance. Last evaluated: 2022-02-28. Review status: criteria provided, single submitter. Criteria: ACMG Guidelines, 2015. Collection method: clinical testing. Allele origin: germline. Observed: 1 variant allele.
Comment: PM2